The following is an entry in ClinVar:

NM_015375.3(DSTYK):c.1651C>T (p.Arg551Cys)

Gene: DSTYK (dual serine/threonine and tyrosine protein kinase; minus strand). Cytogenetic location: 1q32.1.
Variant type: single nucleotide variant.
Coding change: c.1651C>T on transcript NM_015375.3 (MANE Select); coding-DNA position 1651, C replaced by T.
Protein change: p.Arg551Cys; replaces arginine 551 with cysteine.
Molecular consequence: missense variant.
Genome position (GRCh38, 1-based): chr1:205,162,203, G>A on the plus strand (C>T on the coding strand, the complement: DSTYK is on the minus strand). VCF-style: chr1-205162203-G-A. GRCh37 (hg19) VCF-style: chr1-205131331-G-A.
Other names: c.1651C>T, p.Arg551Cys (NM_199462.3); short protein forms R551C.
Identifiers: ClinVar variation 3603703 (VCV003603703.3).
Genomic context (GRCh38, chr1:205,162,203, plus strand): 5'-CCTGGGCCACCTTCCTCTTCCATTCCAGAGTGATGGCAGGTGGGCTCACCCATGTGATGC[G>A]CTGGATGATCTACCAGGATGAAGACAGCGAGATCACCAAGGAATGAGAGACAAGAACCAC-3'
Protein context (NP_056190.1, residues 541-561): LWEQIKQIIQ[Arg551Cys]ITWVSPPAIT

ClinVar aggregate classification (germline): Conflicting classifications of pathogenicity. Review status: criteria provided, conflicting classifications (1 of 4 stars). 2 submissions from 2 submitters: Uncertain significance (1); Likely benign (1). Last evaluated 2025-09-08.

gnomAD v4.1: 44 of 1,613,892 alleles (0.0027%); highest among the groups gnomAD compares: South Asian, 0.0077%; no homozygotes.

Submissions (2):

Labcorp Genetics (formerly Invitae), Labcorp
Classification: Uncertain significance. Last evaluated: 2025-09-08. Review status: criteria provided, single submitter. Criteria: Invitae Variant Classification Sherloc (09022015). Collection method: clinical testing. Allele origin: germline.
Comment: This sequence change replaces arginine, which is basic and polar, with cysteine, which is neutral and slightly polar, at codon 551 of the DSTYK protein (p.Arg551Cys). This variant is present in population databases (rs562238251, gnomAD 0.01%). This variant has not been reported in the literature in individuals affected with DSTYK-related conditions. ClinVar contains an entry for this variant (Variation ID: 3603703). An algorithm developed to predict the effect of missense changes on protein structure and function (PolyPhen-2) suggests that this variant is likely to be disruptive. In summary, the available evidence is currently insufficient to determine the role of this variant in disease. Therefore, it has been classified as a Variant of Uncertain Significance.

Blueprint Genetics
Classification: Likely benign. Last evaluated: 2023-10-11. Review status: criteria provided, single submitter. Criteria: ACMG Guidelines, 2015. Collection method: clinical testing. Allele origin: germline.